The following is an entry in ClinVar:

NM_006996.3(SLC19A2):c.1168del (p.Tyr390fs)

Gene: SLC19A2 (solute carrier family 19 member 2; minus strand). Cytogenetic location: 1q24.2.
Variant type: Deletion.
Coding change: c.1168del on transcript NM_006996.3 (MANE Select); coding-DNA position 1168, one base deleted (T; older notation c.1168delT).
Protein change: p.Tyr390fs; shifts the reading frame from tyrosine 390.
Molecular consequence: frameshift variant.
Genome position (GRCh38, 1-based): chr1:169,468,699, A deleted on the plus strand (T on the coding strand, the reverse complement: SLC19A2 is on the minus strand). VCF-style (leftmost placement, unchanged base first): chr1-169468698-TA-T. GRCh37 (hg19) VCF-style: chr1-169437936-TA-T.
Other names: c.565del, p.Tyr189fs (NM_001319667.1); short protein forms Y390fs, Y189fs.
Identifiers: ClinVar variation 3671624 (VCV003671624.2).

ClinVar aggregate classification (germline): Pathogenic (1 of 4 stars; one submission).

Submission:

Labcorp Genetics (formerly Invitae), Labcorp
Classification: Pathogenic. Last evaluated: 2024-03-25. Review status: criteria provided, single submitter. Criteria: Invitae Variant Classification Sherloc (09022015). Collection method: clinical testing. Allele origin: germline.
Comment: This sequence change creates a premature translational stop signal (p.Tyr390Metfs*17) in the SLC19A2 gene. It is expected to result in an absent or disrupted protein product. Loss-of-function variants in SLC19A2 are known to be pathogenic (PMID: 10391221, 10391223, 10874303). This variant is present in population databases (rs772048171, gnomAD 0.003%). This variant has not been reported in the literature in individuals affected with SLC19A2-related conditions. Algorithms developed to predict the effect of sequence changes on RNA splicing suggest that this variant may disrupt the consensus splice site. For these reasons, this variant has been classified as Pathogenic.

Literature cited by the submitters: PubMed 10391221; PubMed 10391223; PubMed 10874303.